The following is an entry in ClinVar:

NM_001849.4(COL6A2):c.2666A>G (p.Gln889Arg)

Gene: COL6A2 (collagen type VI alpha 2 chain; plus strand). Cytogenetic location: 21q22.3.
Variant type: single nucleotide variant.
Coding change: c.2666A>G on transcript NM_001849.4 (MANE Select); coding-DNA position 2666, A replaced by G.
Protein change: p.Gln889Arg; replaces glutamine 889 with arginine.
Molecular consequence: missense variant.
Genome position (GRCh38, 1-based): chr21:46,132,158, A>G. VCF-style: chr21-46132158-A-G. GRCh37 (hg19) VCF-style: chr21-47552072-A-G.
Other names: short protein forms Q889R.
Identifiers: ClinVar variation 1907853 (VCV001907853.6), dbSNP rs756007203, ClinGen allele CA410548891.
Genomic context (GRCh38, chr21:46,132,158, plus strand): 5'-ACGACGACCCTCTCAACGCACGCGTGGCGCTGCTGCAGTTTGGTGGCCCCGGCGAGCAGC[A>G]GGTGGCCTTCCCGCTGAGCCACAACCTCACGGCCATCCACGAGGCGCTGGAGACCACACA-3'
Protein context (NP_001840.3, residues 879-899): LLQFGGPGEQ[Gln889Arg]VAFPLSHNLT

ClinVar aggregate classification (germline): Uncertain significance. Review status: criteria provided, multiple submitters, no conflicts (2 of 4 stars). 2 submissions from 2 submitters: Uncertain significance (2). Last evaluated 2024-02-23.

Conditions:
Inborn genetic diseases. Identifiers: MedGen C0950123, MeSH D030342.
Bethlem myopathy 1A. Also called: Bethlem myopathy 1; MYOPATHY, BENIGN CONGENITAL, WITH CONTRACTURES; Bethlem Muscular Dystrophy. Identifiers: Orphanet 610, MedGen CN029274, MONDO:0024530, OMIM 158810.

Submissions (2):

Labcorp Genetics (formerly Invitae), Labcorp
Classification: Uncertain significance for Bethlem myopathy 1A. Last evaluated: 2024-02-23. Review status: criteria provided, single submitter. Criteria: Invitae Variant Classification Sherloc (09022015). Collection method: clinical testing. Allele origin: germline.
Comment: This sequence change replaces glutamine, which is neutral and polar, with arginine, which is basic and polar, at codon 889 of the COL6A2 protein (p.Gln889Arg). This variant is not present in population databases (gnomAD no frequency). This variant has not been reported in the literature in individuals affected with COL6A2-related conditions. ClinVar contains an entry for this variant (Variation ID: 1907853). Advanced modeling of protein sequence and biophysical properties (such as structural, functional, and spatial information, amino acid conservation, physicochemical variation, residue mobility, and thermodynamic stability) performed at Invitae indicates that this missense variant is not expected to disrupt COL6A2 protein function with a negative predictive value of 80%. In summary, the available evidence is currently insufficient to determine the role of this variant in disease. Therefore, it has been classified as a Variant of Uncertain Significance.

Ambry Genetics
Classification: Uncertain significance for Inborn genetic diseases. Last evaluated: 2023-12-27. Review status: criteria provided, single submitter. Criteria: Ambry Variant Classification Scheme 2023. Collection method: clinical testing. Allele origin: germline.